The following is an entry in ClinVar:

NM_000233.4(LHCGR):c.672G>A (p.Pro224=)

Genes: LHCGR (luteinizing hormone/choriogonadotropin receptor; minus strand), STON1-GTF2A1L (STON1-GTF2A1L readthrough; plus strand). Cytogenetic location: 2p16.3.
Variant type: single nucleotide variant.
Coding change: c.672G>A on transcript NM_000233.4 (MANE Select); coding-DNA position 672, G replaced by A.
Protein change: p.Pro224=; no amino-acid change (proline 224 retained).
Molecular consequence: synonymous variant. On other transcripts: intron variant (1).
Genome position (GRCh38, 1-based): chr2:48,708,956, C>T on the plus strand (G>A on the coding strand, the complement: LHCGR is on the minus strand). VCF-style: chr2-48708956-C-T. GRCh37 (hg19) VCF-style: chr2-48936095-C-T.
Other names: c.3441+37276C>T (NM_001198593.2).
Identifiers: ClinVar variation 74646 (VCV000074646.8), dbSNP rs267599401, ClinGen allele CA1653221.

ClinVar aggregate classification (germline): Conflicting classifications of pathogenicity. Review status: criteria provided, conflicting classifications (1 of 4 stars). 3 submissions from 2 submitters: Uncertain significance (1); Benign (1); Likely benign (1). Last evaluated 2022-08-08.

Conditions:
Gonadotropin-independent familial sexual precocity. Also called: Familial male-limited precocious puberty; TESTOTOXICOSIS, FAMILIAL. Identifiers: Orphanet 3000, MedGen C0342549, MONDO:0008303, OMIM 176410.
Leydig cell agenesis. Also called: HYPERGONADOTROPIC HYPOGONADISM, MALE, DUE TO LHCGR DEFECT; Leydig cell hypoplasia, type 1; LEYDIG CELL HYPOPLASIA WITH MALE PSEUDOHERMAPHRODITISM; LEYDIG CELL HYPOPLASIA, COMPLETE. Identifiers: MedGen C0266432, MONDO:0009384, OMIM 238320.

Allele frequency attached by ClinVar (database versions not stated): ESP Exome Variant Server 0.00008; TOPMed 0.00010; gnomAD exomes 0.00012 and 0.00014; ExAC 0.00013; gnomAD 0.00015 and 0.00016.
gnomAD v4.1: 221 of 1,613,758 alleles (0.014%); highest among the groups gnomAD compares: Middle Eastern, 0.033%; no homozygotes.

Submissions (3):

Labcorp Genetics (formerly Invitae), Labcorp
Classification: Likely benign. Last evaluated: 2022-08-08. Review status: criteria provided, single submitter. Criteria: Invitae Variant Classification Sherloc (09022015). Collection method: clinical testing. Allele origin: germline.

Illumina Laboratory Services, Illumina
Classification: Uncertain significance for Leydig cell agenesis. Last evaluated: 2018-01-13. Review status: criteria provided, single submitter. Criteria: ICSL Variant Classification Criteria 13 December 2019. Collection method: clinical testing. Allele origin: germline.

Illumina Laboratory Services, Illumina
Classification: Benign for Gonadotropin-independent familial sexual precocity. Last evaluated: 2018-01-13. Review status: criteria provided, single submitter. Criteria: ICSL Variant Classification Criteria 13 December 2019. Collection method: clinical testing. Allele origin: germline.
Comment: This variant was observed in the ICSL laboratory as part of a predisposition screen in an ostensibly healthy population. It had not been previously curated by ICSL or reported in the Human Gene Mutation Database (HGMD: prior to June 1st, 2018), and was therefore a candidate for classification through an automated scoring system. Utilizing variant allele frequency, disease prevalence and penetrance estimates, and inheritance mode, an automated score was calculated to assess if this variant is too frequent to cause the disease. Based on the score and internal cut-off values, a variant classified as benign is not then subjected to further curation. The score for this variant resulted in a classification of benign for this disease.